The following is an entry in ClinVar:

ClinVar aggregate classification (germline): Pathogenic/Likely pathogenic. Review status: criteria provided, multiple submitters, no conflicts (2 of 4 stars). 6 submissions from 6 submitters: Pathogenic (4); Likely pathogenic (1). 1 of the submissions does not count toward it. Last evaluated 2024-02-27.

Conditions:
SPG11-related disorder. Also called: SPG11-related condition.
Hereditary spastic paraplegia 11. Also called: SPASTIC PARAPLEGIA, AUTOSOMAL RECESSIVE, COMPLICATED, WITH THIN CORPUS CALLOSUM; SPASTIC PARAPLEGIA, AUTOSOMAL RECESSIVE, WITH MENTAL IMPAIRMENT AND THIN CORPUS CALLOSUM; Spastic Paraplegia 11; Spastic paraplegia, mental retardation and thin corpus callosum; Nakamura Osame syndrome; Autosomal recessive hereditary spastic paraplegia, mental impairment, and thin corpus callosum. Identifiers: Orphanet 2822, MedGen C1858479, MONDO:0011445, OMIM 604360.
Amyotrophic lateral sclerosis type 5 (ALS5). Also called: AMYOTROPHIC LATERAL SCLEROSIS 5, JUVENILE. Identifiers: Orphanet 300605, MedGen C1865864, MONDO:0011196, OMIM 602099.
Charcot-Marie-Tooth disease axonal type 2X. Also called: CHARCOT-MARIE-TOOTH DISEASE, AXONAL, AUTOSOMAL RECESSIVE, TYPE 2X; CHARCOT-MARIE-TOOTH NEUROPATHY, TYPE 2X. Identifiers: Orphanet 466775, MedGen C5569024, MONDO:0014726, OMIM 616668.

Submissions (6):

Fulgent Genetics
Classification: Pathogenic for Amyotrophic lateral sclerosis type 5; Hereditary spastic paraplegia 11; Charcot-Marie-Tooth disease axonal type 2X. Last evaluated: 2024-02-27. Review status: criteria provided, single submitter. Criteria: ACMG Guidelines, 2015. Collection method: clinical testing. Allele origin: germline.

Labcorp Genetics (formerly Invitae), Labcorp
Classification: Pathogenic for Hereditary spastic paraplegia 11. Last evaluated: 2023-12-12. Review status: criteria provided, single submitter. Criteria: Invitae Variant Classification Sherloc (09022015). Collection method: clinical testing. Allele origin: germline.
Comment: This sequence change creates a premature translational stop signal (p.Leu491Aspfs*66) in the SPG11 gene. It is expected to result in an absent or disrupted protein product. Loss-of-function variants in SPG11 are known to be pathogenic (PMID: 19105190, 20110243, 22154821, 26556829). This variant is present in population databases (rs312262727, gnomAD 0.008%). This premature translational stop signal has been observed in individual(s) with hereditary spastic paraplegia (PMID: 18079167, 27217339). In at least one individual the data is consistent with being in trans (on the opposite chromosome) from a pathogenic variant. ClinVar contains an entry for this variant (Variation ID: 41273). For these reasons, this variant has been classified as Pathogenic.

Blueprint Genetics
Classification: Likely pathogenic for SPG11-related disorders. Last evaluated: 2023-08-17. Review status: criteria provided, single submitter. Criteria: ACMG Guidelines, 2015. Collection method: clinical testing. Allele origin: germline. Affected: yes. Observed: 2 variant alleles.

Genome-Nilou Lab
Classification: Pathogenic for Hereditary spastic paraplegia 11. Review status: criteria provided, single submitter. Criteria: ACMG Guidelines, 2015. Collection method: clinical testing. Allele origin: germline.

Paris Brain Institute, Inserm - ICM
Classification: Pathogenic for Hereditary spastic paraplegia 11. Review status: criteria provided, single submitter. Criteria: ACMG Guidelines, 2015. Collection method: clinical testing. Allele origin: unknown. Affected: yes. Observed: 2 variant alleles.

GeneReviews
No classification provided. Condition: Hereditary spastic paraplegia 11. Review status: no classification provided. Collection method: literature only. Allele origin: unknown. Not counted in ClinVar's aggregate classification.

Literature cited by the submitters: PubMed 19105190 (cited by Labcorp Genetics (formerly Invitae), Labcorp); PubMed 20110243 (cited by Labcorp Genetics (formerly Invitae), Labcorp); PubMed 22154821 (cited by Labcorp Genetics (formerly Invitae), Labcorp); PubMed 26556829 (cited by Labcorp Genetics (formerly Invitae), Labcorp); PubMed 18079167 (cited by Labcorp Genetics (formerly Invitae), Labcorp and GeneReviews); PubMed 27217339 (cited by Labcorp Genetics (formerly Invitae), Labcorp); PubMed 20301389 (cited by GeneReviews); NCBI Bookshelf NBK1210 (cited by GeneReviews).

NM_025137.4(SPG11):c.1471_1472del (p.Leu491fs)

Gene: SPG11 (SPG11 vesicle trafficking associated, spatacsin; minus strand). Cytogenetic location: 15q21.1.
Variant type: Microsatellite.
Coding change: c.1471_1472del on transcript NM_025137.4 (MANE Select); coding-DNA positions 1471 to 1472, 2 bases deleted (CT; older notation c.1471_1472delCT).
Protein change: p.Leu491fs; shifts the reading frame from leucine 491.
Molecular consequence: frameshift variant.
Genome position (GRCh38, 1-based): chr15:44,648,996-44,648,997, AG deleted on the plus strand (CT on the coding strand, the reverse complement: SPG11 is on the minus strand); deleting any 2 consecutive bases within chr15:44,648,996-44,649,003 gives the same sequence; the c. name uses the placement nearest the transcript's 3' end. VCF-style (leftmost placement, unchanged base first): chr15-44648995-CAG-C. GRCh37 (hg19) VCF-style: chr15-44941193-CAG-C.
Other names: c.1471_1472del (NM_025137.3); c.1471_1472del, p.Leu491fs (NM_001160227.2); short protein forms L491fs.
Identifiers: ClinVar variation 41273 (VCV000041273.17), dbSNP rs312262727, ClinGen allele CA344298.